The following is an entry in ClinVar:

ClinVar aggregate classification (germline): Uncertain significance. Review status: criteria provided, multiple submitters, no conflicts (2 of 4 stars). 3 submissions from 3 submitters: Uncertain significance (3). Last evaluated 2023-10-20.

Conditions:
Hereditary cancer-predisposing syndrome. Also called: Hereditary Cancer Syndrome; Neoplastic Syndromes, Hereditary; Tumor predisposition; Hereditary neoplastic syndrome. Identifiers: Orphanet 140162, MedGen C0027672, MeSH D009386, MONDO:0015356.
Microcephaly, normal intelligence and immunodeficiency (NBS). Also called: IMMUNODEFICIENCY, MICROCEPHALY, AND CHROMOSOMAL INSTABILITY; SEEMANOVA SYNDROME II; Immunodeficiency, microcephaly with normal intelligence; Ataxia telangiectasia variant V1; Nijmegen breakage syndrome; Microcephaly with normal intelligence immunodeficiency and lymphoreticular malignancies. Identifiers: Orphanet 647, MedGen C0398791, MONDO:0009623, OMIM 251260.

Submissions (3):

Ambry Genetics
Classification: Uncertain significance for Hereditary cancer-predisposing syndrome. Last evaluated: 2023-10-20. Review status: criteria provided, single submitter. Criteria: Ambry Variant Classification Scheme 2023. Collection method: clinical testing. Allele origin: germline.
Comment: The p.D586H variant (also known as c.1756G>C), located in coding exon 11 of the NBN gene, results from a G to C substitution at nucleotide position 1756. The aspartic acid at codon 586 is replaced by histidine, an amino acid with similar properties. This amino acid position is poorly conserved in available vertebrate species. In addition, this alteration is predicted to be tolerated by in silico analysis. Since supporting evidence is limited at this time, the clinical significance of this alteration remains unclear.

Labcorp Genetics (formerly Invitae), Labcorp
Classification: Uncertain significance for Microcephaly, normal intelligence and immunodeficiency. Last evaluated: 2023-07-07. Review status: criteria provided, single submitter. Criteria: Invitae Variant Classification Sherloc (09022015). Collection method: clinical testing. Allele origin: germline.
Comment: In summary, the available evidence is currently insufficient to determine the role of this variant in disease. Therefore, it has been classified as a Variant of Uncertain Significance. An algorithm developed to predict the effect of missense changes on protein structure and function (PolyPhen-2) suggests that this variant is likely to be disruptive. ClinVar contains an entry for this variant (Variation ID: 185955). This variant has not been reported in the literature in individuals affected with NBN-related conditions. This variant is not present in population databases (gnomAD no frequency). This sequence change replaces aspartic acid, which is acidic and polar, with histidine, which is basic and polar, at codon 586 of the NBN protein (p.Asp586His).

Genome-Nilou Lab
Classification: Uncertain significance for Microcephaly, normal intelligence and immunodeficiency. Last evaluated: 2021-11-07. Review status: criteria provided, single submitter. Criteria: ACMG Guidelines, 2015. Collection method: clinical testing. Allele origin: germline. Affected: no.

NM_002485.5(NBN):c.1756G>C (p.Asp586His)

Gene: NBN (nibrin; minus strand). Cytogenetic location: 8q21.3.
Variant type: single nucleotide variant.
Coding change: c.1756G>C on transcript NM_002485.5 (MANE Select); coding-DNA position 1756, G replaced by C.
Protein change: p.Asp586His; replaces aspartic acid 586 with histidine.
Molecular consequence: missense variant.
Genome position (GRCh38, 1-based): chr8:89,953,333, C>G on the plus strand (G>C on the coding strand, the complement: NBN is on the minus strand). VCF-style: chr8-89953333-C-G. GRCh37 (hg19) VCF-style: chr8-90965561-C-G.
Other names: c.1510G>C, p.Asp504His (NM_001024688.3); short protein forms D586H, D504H.
Identifiers: ClinVar variation 185955 (VCV000185955.19), dbSNP rs786202588, ClinGen allele CA193486.